The following is an entry in ClinVar:

NM_003072.5(SMARCA4):c.1943+8G>T

Gene: SMARCA4 (SWI/SNF related BAF chromatin remodeling complex subunit ATPase 4; plus strand). Cytogenetic location: 19p13.2.
Variant type: single nucleotide variant.
Coding change: c.1943+8G>T on transcript NM_003072.5 (MANE Select); 8 bases into the intron after coding-DNA position 1943, G replaced by T.
Molecular consequence: intron variant.
Genome position (GRCh38, 1-based): chr19:11,003,167, G>T. VCF-style: chr19-11003167-G-T. GRCh37 (hg19) VCF-style: chr19-11113843-G-T.
Other names: c.1943+8G>T (NM_001128844.3, NM_001128849.3, NM_001128847.4 and 5 more transcripts).
Identifiers: ClinVar variation 1552704 (VCV001552704.9), dbSNP rs2087818610, ClinGen allele CA2322716292.

ClinVar aggregate classification (germline): Likely benign. Review status: criteria provided, multiple submitters, no conflicts (2 of 4 stars). 2 submissions from 2 submitters: Likely benign (2). Last evaluated 2026-07-07.

Conditions:
Rhabdoid tumor predisposition syndrome 2 (RTPS2). Identifiers: Orphanet 231108, Orphanet 69077, MedGen C2750074, MONDO:0013224, OMIM 613325.

Allele frequency attached by ClinVar (database versions not stated): gnomAD exomes below 0.00001; TOPMed 0.00001.
gnomAD v4.1: 2 of 1,614,078 alleles (0.00012%); highest among the groups gnomAD compares: African/African-American, 0.0027%; no homozygotes.

Submissions (2):

Myriad Genetics, Inc.
Classification: Likely benign for Rhabdoid tumor predisposition syndrome 2. Last evaluated: 2026-07-07. Review status: criteria provided, single submitter. Criteria: Myriad Autosomal Dominant, Autosomal Recessive and X-Linked Classification Criteria (2023). Collection method: clinical testing. Allele origin: unknown.
Comment: This variant is considered likely benign. This variant is intronic and is not expected to impact mRNA splicing.

Labcorp Genetics (formerly Invitae), Labcorp
Classification: Likely benign for Rhabdoid tumor predisposition syndrome 2. Last evaluated: 2023-12-22. Review status: criteria provided, single submitter. Criteria: Invitae Variant Classification Sherloc (09022015). Collection method: clinical testing. Allele origin: germline.